The following is an entry in ClinVar:

NM_020166.5(MCCC1):c.272del (p.Met91fs)

Gene: MCCC1 (methylcrotonyl-CoA carboxylase subunit 1; minus strand). Cytogenetic location: 3q27.1.
Variant type: Deletion.
Coding change: c.272del on transcript NM_020166.5 (MANE Select); coding-DNA position 272, one base deleted (T; older notation c.272delT).
Protein change: p.Met91fs; shifts the reading frame from methionine 91.
Molecular consequence: frameshift variant. On other transcripts: non-coding transcript variant (1), intron variant (2).
Genome position (GRCh38, 1-based): chr3:183,092,410, A deleted on the plus strand (T on the coding strand, the reverse complement: MCCC1 is on the minus strand). VCF-style (leftmost placement, unchanged base first): chr3-183092409-CA-C. GRCh37 (hg19) VCF-style: chr3-182810197-CA-C.
Other names: c.-55+2149del (NM_001363880.1); c.44+2149del (NM_001293273.2); short protein forms M91fs.
Identifiers: ClinVar variation 2153665 (VCV002153665.4), dbSNP rs2530508755, ClinGen allele CA2577970028.

ClinVar aggregate classification (germline): Pathogenic (1 of 4 stars; one submission).

Conditions:
3-methylcrotonyl-CoA carboxylase 1 deficiency (MCC1D). Also called: MCC 1 deficiency; 3 Alpha methylcrotonylglycinuria 1; MCCD TYPE 1; METHYLCROTONYLGLYCINURIA TYPE I. Identifiers: Orphanet 6, MedGen CN028786, MONDO:0008861, OMIM 210200.

Submission:

Labcorp Genetics (formerly Invitae), Labcorp
Classification: Pathogenic for 3-methylcrotonyl-CoA carboxylase 1 deficiency. Last evaluated: 2022-03-15. Review status: criteria provided, single submitter. Criteria: Invitae Variant Classification Sherloc (09022015). Collection method: clinical testing. Allele origin: germline.
Comment: For these reasons, this variant has been classified as Pathogenic. This variant has not been reported in the literature in individuals affected with MCCC1-related conditions. This variant is not present in population databases (gnomAD no frequency). This sequence change creates a premature translational stop signal (p.Met91Argfs*60) in the MCCC1 gene. It is expected to result in an absent or disrupted protein product. Loss-of-function variants in MCCC1 are known to be pathogenic (PMID: 11181649, 15359379, 22642865).

Literature cited by the submitters: PubMed 11181649; PubMed 15359379; PubMed 22642865.